The following is an entry in ClinVar:

NM_005157.6(ABL1):c.760G>A (p.Gly254Arg)

Gene: ABL1 (ABL proto-oncogene 1, non-receptor tyrosine kinase; plus strand). Cytogenetic location: 9q34.12.
Variant type: single nucleotide variant.
Coding change: c.760G>A on transcript NM_005157.6 (MANE Select); coding-DNA position 760, G replaced by A.
Protein change: p.Gly254Arg; replaces glycine 254 with arginine.
Molecular consequence: missense variant.
Genome position (GRCh38, 1-based): chr9:130,862,973, G>A. VCF-style: chr9-130862973-G-A. GRCh37 (hg19) VCF-style: chr9-133738360-G-A.
Other names: c.817G>A, p.Gly273Arg (NM_007313.3); short protein forms G273R, G254R.
Identifiers: ClinVar variation 938741 (VCV000938741.15), dbSNP rs1831099962, ClinGen allele CA375263307.

ClinVar aggregate classification (germline): Pathogenic/Likely pathogenic. Review status: criteria provided, multiple submitters, no conflicts (2 of 4 stars). 3 submissions from 3 submitters: Pathogenic (2); Likely pathogenic (1). Last evaluated 2026-01-21.

Conditions:
ABL1-related disorder. Also called: ABL1-related condition.
Congenital heart defects and skeletal malformations syndrome. Identifiers: Orphanet 643503, MedGen C4539857, MONDO:0060532, OMIM 617602.

Allele frequency attached by ClinVar (database versions not stated): gnomAD exomes below 0.00001.
gnomAD v4.1: 1 of 1,614,180 alleles (0.000062%); highest among the groups gnomAD compares: Non-Finnish European, 0.000085%; no homozygotes.

Submissions (3):

Labcorp Genetics (formerly Invitae), Labcorp
Classification: Pathogenic. Last evaluated: 2026-01-21. Review status: criteria provided, single submitter. Criteria: Invitae Variant Classification Sherloc (09022015). Collection method: clinical testing. Allele origin: germline.
Comment: This sequence change replaces glycine, which is neutral and non-polar, with arginine, which is basic and polar, at codon 273 of the ABL1 protein (p.Gly273Arg). This variant is not present in population databases (gnomAD no frequency). This missense change has been observed in individual(s) with clinical features of autosomal dominant ABL1-related conditions (PMID: 33783941; external communication). In at least one individual the variant was observed to be de novo. ClinVar contains an entry for this variant (Variation ID: 938741). Invitae Evidence Modeling of protein sequence and biophysical properties (such as structural, functional, and spatial information, amino acid conservation, physicochemical variation, residue mobility, and thermodynamic stability) indicates that this missense variant is expected to disrupt ABL1 protein function with a positive predictive value of 80%. For these reasons, this variant has been classified as Pathogenic.

GeneDx
Classification: Likely pathogenic. Last evaluated: 2025-07-28. Review status: criteria provided, single submitter. Criteria: GeneDx Variant Classification Process June 2021. Collection method: clinical testing. Allele origin: germline. Affected: yes.
Comment: Not observed in large population cohorts (gnomAD); In silico analysis supports that this missense variant has a deleterious effect on protein structure/function; This variant is associated with the following publications: (PMID: 39887622, 33783941)

Variantyx, Inc.
Classification: Pathogenic for Congenital heart defects and skeletal malformations syndrome. Last evaluated: 2025-04-12. Review status: criteria provided, single submitter. Criteria: Variantyx Assertion Criteria 2022. Collection method: clinical testing. Allele origin: germline. Inheritance: Autosomal recessive inheritance. Affected: yes.
Comment: This is a nonsynonymous variant in the ABL1 gene (OMIM: 189980). Pathogenic variants in this gene have been associated with autosomal dominant congenital heart defects and skeletal malformation syndrome. This variant has been reported in at least 2 unrelated affected individuals (PMID: 33783941) (PS4_Moderate). It lies within a known hotspot for pathogenic variants or a well-established critical functional domain of the ABL1 protein (PMID: 20841568) (PM1), and multiple computational algorithms predict a deleterious effect for this variant (REVEL score: 0.842) (PP3). This variant has a 0.0001% maximum allele frequency in non-founder control populations (PM2). Based on the current evidence, this variant is classified as pathogenic for autosomal dominant congenital heart defects and skeletal malformations syndrome.

Literature cited by the submitters: PubMed 33783941 (cited by Labcorp Genetics (formerly Invitae), Labcorp and Variantyx, Inc.); PubMed 20841568 (cited by Variantyx, Inc.).